The following is an entry in ClinVar:

ClinVar aggregate classification (germline): Conflicting classifications of pathogenicity. Review status: criteria provided, conflicting classifications (1 of 4 stars). 3 submissions from 3 submitters: Uncertain significance (2); Likely benign (1). Last evaluated 2025-08-28.

Conditions:
Inborn genetic diseases. Identifiers: MedGen C0950123, MeSH D030342.
CACNA1E-related disorder. Also called: CACNA1E-related condition.

Allele frequency attached by ClinVar (database versions not stated): gnomAD exomes below 0.00001; gnomAD 0.00001.
gnomAD v4.1: 2 of 1,599,150 alleles (0.00013%); highest among the groups gnomAD compares: African/African-American, 0.0013%; no homozygotes.

Submissions (3):

PreventionGenetics, part of Exact Sciences
Classification: Uncertain significance for CACNA1E-related condition. Last evaluated: 2025-08-28. Review status: criteria provided, single submitter. Criteria: ACMG Guidelines, 2015. Collection method: clinical testing. Allele origin: germline.
Comment: The CACNA1E c.6094A>G variant is predicted to result in the amino acid substitution p.Thr2032Ala. To our knowledge, this variant has not been reported in the literature. This variant is reported in 0.0% of alleles in individuals of African descent in gnomAD. Although we suspect that this variant may be benign, at this time, the clinical significance of this variant is uncertain due to the absence of conclusive functional and genetic evidence.

Labcorp Genetics (formerly Invitae), Labcorp
Classification: Likely benign. Last evaluated: 2025-08-25. Review status: criteria provided, single submitter. Criteria: Invitae Variant Classification Sherloc (09022015). Collection method: clinical testing. Allele origin: germline.

Ambry Genetics
Classification: Uncertain significance for Inborn genetic diseases. Last evaluated: 2021-08-30. Review status: criteria provided, single submitter. Criteria: Ambry Variant Classification Scheme 2023. Collection method: clinical testing. Allele origin: germline.

NM_001205293.3(CACNA1E):c.6223A>G (p.Thr2075Ala)

Gene: CACNA1E (calcium voltage-gated channel subunit alpha1 E; plus strand). Cytogenetic location: 1q25.3.
Variant type: single nucleotide variant.
Coding change: c.6223A>G on transcript NM_001205293.3 (MANE Select); coding-DNA position 6223, A replaced by G.
Protein change: p.Thr2075Ala; replaces threonine 2075 with alanine.
Molecular consequence: missense variant.
Genome position (GRCh38, 1-based): chr1:181,796,682, A>G. VCF-style: chr1-181796682-A-G. GRCh37 (hg19) VCF-style: chr1-181765818-A-G.
Other names: c.6094A>G, p.Thr2032Ala (NM_000721.4); c.6037A>G, p.Thr2013Ala (NM_001205294.2); c.6223A>G (NM_001205293.1); c.6094A>G (NM_000721.3); short protein forms T2013A, T2032A, T2075A.
Identifiers: ClinVar variation 2175172 (VCV002175172.6), dbSNP rs1246607749, ClinGen allele CA343633172.